The following is an entry in ClinVar:

NM_005529.7(HSPG2):c.7307C>A (p.Thr2436Asn)

Gene: HSPG2 (heparan sulfate proteoglycan 2; minus strand). Cytogenetic location: 1p36.12.
Variant type: single nucleotide variant.
Coding change: c.7307C>A on transcript NM_005529.7 (MANE Select); coding-DNA position 7307, C replaced by A.
Protein change: p.Thr2436Asn; replaces threonine 2436 with asparagine.
Molecular consequence: missense variant.
Genome position (GRCh38, 1-based): chr1:21,850,180, G>T on the plus strand (C>A on the coding strand, the complement: HSPG2 is on the minus strand). VCF-style: chr1-21850180-G-T. GRCh37 (hg19) VCF-style: chr1-22176673-G-T.
Other names: c.7310C>A, p.Thr2437Asn (NM_001291860.2); short protein forms T2436N, T2437N.
Identifiers: ClinVar variation 811266 (VCV000811266.8), dbSNP rs747403733, ClinGen allele CA671232.

ClinVar aggregate classification (germline): Uncertain significance (1 of 4 stars; one submission).

Allele frequency attached by ClinVar (database versions not stated): gnomAD 0.00002; gnomAD exomes 0.00002; ExAC 0.00001; TOPMed 0.00002.
gnomAD v4.1: 103 of 1,613,258 alleles (0.0064%); highest among the groups gnomAD compares: Non-Finnish European, 0.0086%; no homozygotes.

Submission:

ARUP Laboratories, Molecular Genetics and Genomics, ARUP Laboratories
Classification: Uncertain significance. Last evaluated: 2019-01-24. Review status: criteria provided, single submitter. Criteria: ARUP Molecular Germline Variant Investigation Process. Collection method: clinical testing. Allele origin: germline.
Comment: The HSPG2 c.7307C>A; p.Thr2436Asn variant (rs747403733), to our knowledge, is not described in the medical literature or in gene-specific databases. It is observed in the non-Finnish European population at an overall frequency of 0.0036% (4/112680 alleles) in the Genome Aggregation Database. The threonine at codon 2436 is weakly conserved, and computational algorithms (PolyPhen-2, SIFT) predict that this variant is tolerated. However, due to lack of clinical and functional data regarding this variant, its clinical significance cannot be determined with certainty.